The following is an entry in ClinVar:

NM_001040142.2(SCN2A):c.4914T>A (p.Arg1638=)

Gene: SCN2A (sodium voltage-gated channel alpha subunit 2; plus strand). Cytogenetic location: 2q24.3.
Variant type: single nucleotide variant.
Coding change: c.4914T>A on transcript NM_001040142.2 (MANE Select); coding-DNA position 4914, T replaced by A.
Protein change: p.Arg1638=; no amino-acid change (arginine 1638 retained).
Molecular consequence: synonymous variant.
Genome position (GRCh38, 1-based): chr2:165,388,720, T>A. VCF-style: chr2-165388720-T-A. GRCh37 (hg19) VCF-style: chr2-166245230-T-A.
Other names: p.R1638R:CGT>CGA; p.Arg1638=; c.4914T>A, p.Arg1638= (NM_001040143.2, NM_001371246.1, NM_001371247.1 and 1 more transcripts).
Identifiers: ClinVar variation 130223 (VCV000130223.31), dbSNP rs2060198, ClinGen allele CA289023.

ClinVar aggregate classification (germline): Benign. Review status: criteria provided, multiple submitters, no conflicts (2 of 4 stars). 13 submissions from 11 submitters: Benign (13). Last evaluated 2026-02-04.

Conditions:
Episodic ataxia, type 9. Identifiers: MedGen C5394520, MONDO:0030064, OMIM 618924.
Inborn genetic diseases. Identifiers: MedGen C0950123, MeSH D030342.
Developmental and epileptic encephalopathy, 11 (DEE11). Also called: Early infantile epileptic encephalopathy 11. Identifiers: Orphanet 1934, MedGen C3150987, MONDO:0013388, OMIM 613721.
Seizures, benign familial infantile, 3 (BFIS3). Also called: Familial neonatal seizures; CONVULSIONS, BENIGN FAMILIAL INFANTILE, 3. Identifiers: Orphanet 140927, Orphanet 306, MedGen C1843140, MONDO:0011904, OMIM 607745.

Allele frequency attached by ClinVar (database versions not stated): TOPMed 0.23582; ESP Exome Variant Server 0.24138; 1000 Genomes Project 30x 0.24141; 1000 Genomes Project 0.24940; gnomAD 0.25169 and 0.25466; gnomAD exomes 0.28346 and 0.28676; ExAC 0.28476.
gnomAD v4.1: 457,783 of 1,613,746 alleles (28%); highest among the groups gnomAD compares: Middle Eastern, 34%; 66,873 homozygotes.

Submissions (13):

Labcorp Genetics (formerly Invitae), Labcorp
Classification: Benign for Seizures, benign familial infantile, 3; Developmental and epileptic encephalopathy, 11. Last evaluated: 2026-02-04. Review status: criteria provided, single submitter. Criteria: Invitae Variant Classification Sherloc (09022015). Collection method: clinical testing. Allele origin: germline.

Blueprint Genetics
Classification: Benign. Last evaluated: 2024-11-26. Review status: criteria provided, single submitter. Criteria: ACMG Guidelines, 2015. Collection method: clinical testing. Allele origin: germline.

Unidad de Genómica Garrahan, Hospital de Pediatría Garrahan
Classification: Benign. Last evaluated: 2024-07-15. Review status: criteria provided, single submitter. Criteria: ACMG Guidelines, 2015. Collection method: clinical testing. Allele origin: germline. Affected: no. Observed: 44 variant alleles.
Comment: This variant is classified as Benign based on local population frequency. This variant was detected in 47% of patients studied in a panel designed for Epileptic and Developmental Encephalopathy and Progressive Myoclonus Epilepsy. Number of patients: 44. Only high quality variants are reported.

Mayo Clinic Laboratories, Mayo Clinic
Classification: Benign. Last evaluated: 2022-03-24. Review status: criteria provided, single submitter. Criteria: ACMG Guidelines, 2015. Collection method: clinical testing. Allele origin: germline. Observed: 644 variant alleles.

Genome-Nilou Lab
Classification: Benign for Developmental and epileptic encephalopathy, 11. Last evaluated: 2021-07-15. Review status: criteria provided, single submitter. Criteria: ACMG Guidelines, 2015. Collection method: clinical testing. Allele origin: germline. Affected: no.

Genome-Nilou Lab
Classification: Benign for Episodic ataxia, type 9. Last evaluated: 2021-07-15. Review status: criteria provided, single submitter. Criteria: ACMG Guidelines, 2015. Collection method: clinical testing. Allele origin: germline. Affected: no.

Genome-Nilou Lab
Classification: Benign for Seizures, benign familial infantile, 3. Last evaluated: 2021-07-15. Review status: criteria provided, single submitter. Criteria: ACMG Guidelines, 2015. Collection method: clinical testing. Allele origin: germline. Affected: no.

Illumina Laboratory Services, Illumina
Classification: Benign for Seizures, benign familial infantile, 3. Last evaluated: 2018-01-13. Review status: criteria provided, single submitter. Criteria: ICSL Variant Classification Criteria 13 December 2019. Collection method: clinical testing. Allele origin: germline.
Comment: This variant was observed in the ICSL laboratory as part of a predisposition screen in an ostensibly healthy population. It had not been previously curated by ICSL or reported in the Human Gene Mutation Database (HGMD: prior to June 1st, 2018), and was therefore a candidate for classification through an automated scoring system. Utilizing variant allele frequency, disease prevalence and penetrance estimates, and inheritance mode, an automated score was calculated to assess if this variant is too frequent to cause the disease. Based on the score and internal cut-off values, a variant classified as benign is not then subjected to further curation. The score for this variant resulted in a classification of benign for this disease.

Ambry Genetics
Classification: Benign for Inborn genetic diseases. Last evaluated: 2015-12-31. Review status: criteria provided, single submitter. Criteria: Ambry Variant Classification Scheme 2023. Collection method: clinical testing. Allele origin: germline.

Genetic Services Laboratory, University of Chicago
Classification: Benign for AllHighlyPenetrant. Last evaluated: 2013-04-25. Review status: criteria provided, single submitter. Criteria: ACMG Guidelines, 2007. Collection method: clinical testing. Allele origin: germline. Inheritance: Autosomal dominant inheritance.

GeneDx
Classification: Benign. Last evaluated: 2012-02-14. Review status: criteria provided, single submitter. Criteria: GeneDx Variant Classification (06012015). Collection method: clinical testing. Allele origin: germline. Affected: yes.
Comment: This variant is considered likely benign or benign based on one or more of the following criteria: it is a conservative change, it occurs at a poorly conserved position in the protein, it is predicted to be benign by multiple in silico algorithms, and/or has population frequency not consistent with disease.

Breakthrough Genomics
Classification: Benign. Review status: criteria provided, single submitter. Criteria: ACMG Guidelines, 2015. Collection method: not provided. Allele origin: germline. Inheritance: Autosomal dominant inheritance. Affected: yes.

PreventionGenetics, part of Exact Sciences
Classification: Benign. Review status: criteria provided, single submitter. Criteria: ACMG Guidelines, 2015. Collection method: clinical testing. Allele origin: germline.